The following is an entry in ClinVar:

NM_001365276.2(TNXB):c.10025T>A (p.Val3342Asp)

Gene: TNXB (tenascin XB; minus strand). Cytogenetic location: 6p21.33.
Variant type: single nucleotide variant.
Coding change: c.10025T>A on transcript NM_001365276.2 (MANE Select); coding-DNA position 10025, T replaced by A.
Protein change: p.Val3342Asp; replaces valine 3342 with aspartic acid.
Molecular consequence: missense variant.
Genome position (GRCh38, 1-based): chr6:32,048,383, A>T on the plus strand (T>A on the coding strand, the complement: TNXB is on the minus strand). VCF-style: chr6-32048383-A-T. GRCh37 (hg19) VCF-style: chr6-32016160-A-T.
Other names: c.10019T>A, p.Val3340Asp (NM_019105.8); short protein forms V3342D, V3340D.
Identifiers: ClinVar variation 2565744 (VCV002565744.2), dbSNP rs1777034522, ClinGen allele CA363533124.

ClinVar aggregate classification (germline): Uncertain significance (1 of 4 stars; one submission).

Conditions:
Cardiovascular phenotype. Identifiers: MedGen CN230736.

Allele frequency attached by ClinVar (database versions not stated): gnomAD 0.00001; gnomAD exomes 0.00001.
gnomAD v4.1: 9 of 1,518,962 alleles (0.00059%); highest among the groups gnomAD compares: African/African-American, 0.0014%; no homozygotes.

Submission:

Ambry Genetics
Classification: Uncertain significance for Cardiovascular phenotype. Last evaluated: 2023-05-15. Review status: criteria provided, single submitter. Criteria: Ambry Variant Classification Scheme 2023. Collection method: clinical testing. Allele origin: germline.
Comment: The p.V3340D variant (also known as c.10019T>A), located in coding exon 28 of the TNXB gene, results from a T to A substitution at nucleotide position 10019. The valine at codon 3340 is replaced by aspartic acid, an amino acid with highly dissimilar properties. This amino acid position is conserved. In addition, this alteration is predicted to be tolerated by in silico analysis. Since supporting evidence is limited at this time, the clinical significance of this alteration remains unclear.